The following is an entry in ClinVar:

ClinVar aggregate classification (germline): Uncertain significance (1 of 4 stars; one submission).

Conditions:
Cardiovascular phenotype. Identifiers: MedGen CN230736.

Submission:

Ambry Genetics
Classification: Uncertain significance for Cardiovascular phenotype. Last evaluated: 2025-08-08. Review status: criteria provided, single submitter. Criteria: Ambry Variant Classification Scheme 2023. Collection method: clinical testing. Allele origin: germline.
Comment: The p.E765G variant (also known as c.2294A>G), located in coding exon 15 of the CBL gene, results from an A to G substitution at nucleotide position 2294. The glutamic acid at codon 765 is replaced by glycine, an amino acid with similar properties. This amino acid position is conserved. In addition, the in silico prediction for this alteration is inconclusive. Based on the available evidence, the clinical significance of this variant remains unclear.

NM_005188.4(CBL):c.2294A>G (p.Glu765Gly)

Gene: CBL (Cbl proto-oncogene; plus strand). Cytogenetic location: 11q23.3.
Variant type: single nucleotide variant.
Coding change: c.2294A>G on transcript NM_005188.4 (MANE Select); coding-DNA position 2294, A replaced by G.
Protein change: p.Glu765Gly; replaces glutamic acid 765 with glycine.
Molecular consequence: missense variant.
Genome position (GRCh38, 1-based): chr11:119,298,400, A>G. VCF-style: chr11-119298400-A-G. GRCh37 (hg19) VCF-style: chr11-119169110-A-G.
Other names: short protein forms E765G.
Identifiers: ClinVar variation 4219894 (VCV004219894.1).
Genomic context (GRCh38, chr11:119,298,400, plus strand): 5'-TCACTCATTTTTCTCCAGGTGAAGGGAATTTGGCCGCAGCCCATGCCAACACTGGTCCCG[A>G]GGAGTCAGAAAATGAGGATGATGGGTATGATGTCCCAAAGCCACCTGTGCCGGCCGTGCT-3'
Protein context (NP_005179.2, residues 755-775): LAAAHANTGP[Glu765Gly]ESENEDDGYD